The following is an entry in ClinVar:

ClinVar aggregate classification (germline): Uncertain significance. Review status: criteria provided, multiple submitters, no conflicts (2 of 4 stars). 2 submissions from 2 submitters: Uncertain significance (2). Last evaluated 2023-06-08.

Conditions:
Frasier syndrome. Identifiers: Orphanet 347, MedGen C0950122, MeSH D052159, MONDO:0007635, OMIM 136680.
Wilms tumor 1 (WT1). Also called: Wilms tumor, somatic. Identifiers: Orphanet 654, MedGen CN033288, MONDO:0008679, OMIM 194070.
11p partial monosomy syndrome (WAGR). Also called: CHROMOSOME 11p13 DELETION SYNDROME; WAGR Spectrum Disorder; WAGR syndrome; WAGR Complex. Identifiers: Orphanet 893, MedGen C0206115, MONDO:0008681, OMIM 194072.
Drash syndrome (DDS). Also called: WILMS TUMOR AND PSEUDO- OR TRUE HERMAPHRODITISM; NEPHROPATHY, WILMS TUMOR, AND GENITAL ANOMALIES. Identifiers: Orphanet 220, MedGen C0950121, MONDO:0008682, OMIM 194080.

gnomAD v4.1: 3 of 1,520,518 alleles (0.0002%); highest among the groups gnomAD compares: South Asian, 0.0012%; no homozygotes.

Submissions (2):

All of Us Research Program, National Institutes of Health
Classification: Uncertain significance for Wilms tumor 1. Last evaluated: 2023-06-08. Review status: criteria provided, single submitter. Criteria: ACMG Guidelines, 2015. Collection method: clinical testing. Allele origin: germline. Inheritance: Autosomal dominant inheritance. Observed: 1 variant allele, 1 heterozygote.
Comment: This missense variant replaces alanine with valine at codon 61 of the WT1 protein. Computational prediction suggests that this variant may not impact protein structure and function (internally defined REVEL score threshold <= 0.5, PMID: 27666373). To our knowledge, functional studies have not been reported for this variant. This variant has not been reported in individuals affected with WT1-related disorders in the literature. This variant has not been identified in the general population by the Genome Aggregation Database (gnomAD). The available evidence is insufficient to determine the role of this variant in disease conclusively. Therefore, this variant is classified as a Variant of Uncertain Significance.

This study involves interpretation of variants in research participants for the purpose of population health screening. Participant phenotype was not available at the time of variant classification. Additional details can be found in publication PMID: 35346344, PMCID: PMC8962531

Labcorp Genetics (formerly Invitae), Labcorp
Classification: Uncertain significance for Wilms tumor 1; Drash syndrome; 11p partial monosomy syndrome; Frasier syndrome. Last evaluated: 2023-05-22. Review status: criteria provided, single submitter. Criteria: Invitae Variant Classification Sherloc (09022015). Collection method: clinical testing. Allele origin: germline.
Comment: This sequence change replaces alanine, which is neutral and non-polar, with valine, which is neutral and non-polar, at codon 61 of the WT1 protein (p.Ala61Val). This variant is not present in population databases (gnomAD no frequency). This variant has not been reported in the literature in individuals affected with WT1-related conditions. ClinVar contains an entry for this variant (Variation ID: 2166037). An algorithm developed to predict the effect of missense changes on protein structure and function (PolyPhen-2) suggests that this variant is likely to be tolerated. In summary, the available evidence is currently insufficient to determine the role of this variant in disease. Therefore, it has been classified as a Variant of Uncertain Significance.

NM_024426.6(WT1):c.197C>T (p.Ala66Val)

Genes: WT1 (WT1 transcription factor; minus strand), LOC107982234 (WT1/WT1-AS bi-directional promoter region; plus strand). Cytogenetic location: 11p13.
Variant type: single nucleotide variant.
Coding change: c.197C>T on transcript NM_024426.6 (MANE Select); coding-DNA position 197, C replaced by T.
Protein change: p.Ala66Val; replaces alanine 66 with valine.
Molecular consequence: missense variant. On other transcripts: non-coding transcript variant (1).
Genome position (GRCh38, 1-based): chr11:32,435,164, G>A on the plus strand (C>T on the coding strand, the complement: WT1 is on the minus strand). VCF-style: chr11-32435164-G-A. GRCh37 (hg19) VCF-style: chr11-32456710-G-A.
Other names: c.197C>T, p.Ala66Val (NM_000378.6, NM_001407044.1, NM_001407045.1 and 6 more transcripts); c.182C>T, p.Ala61Val (NM_024425.2); short protein forms A61V, A66V.
Identifiers: ClinVar variation 2166037 (VCV002166037.5), dbSNP rs1341675324, ClinGen allele CA379966180.